The following is an entry in ClinVar:

ClinVar aggregate classification (germline): Likely pathogenic. Review status: criteria provided, multiple submitters, no conflicts (2 of 4 stars). 4 submissions from 4 submitters: Likely pathogenic (4). Last evaluated 2025-06-13.

Conditions:
Autosomal recessive limb-girdle muscular dystrophy type 2J (LGMDR10). Also called: Limb-girdle muscular dystrophy, type 2J; MUSCULAR DYSTROPHY, LIMB-GIRDLE, AUTOSOMAL RECESSIVE 10. Identifiers: Orphanet 140922, MedGen C1837342, MONDO:0012127, OMIM 608807.
Dilated cardiomyopathy 1G (CMD1G). Identifiers: Orphanet 154, MedGen C1858763, MONDO:0011400, OMIM 604145.
Primary familial dilated cardiomyopathy (FDC). Also called: Hypokinetic dilated cardiomyopathy, familial; Familial dilated cardiomyopathy. Identifiers: Orphanet 217607, MedGen C0340427, MONDO:0016333.
Cardiovascular phenotype. Identifiers: MedGen CN230736.

Submissions (4):

Women's Health and Genetics/Laboratory Corporation of America, LabCorp
Classification: Likely pathogenic for Primary familial dilated cardiomyopathy. Last evaluated: 2025-06-13. Review status: criteria provided, single submitter. Criteria: LabCorp Variant Classification Summary - May 2015. Collection method: clinical testing. Allele origin: germline.
Comment: Variant summary: TTN c.85093C>T (p.Gln28365X) results in a premature termination codon, predicted to cause a truncation of the encoded protein or absence of the protein due to nonsense mediated decay, which are commonly known mechanisms for disease. Loss of function variants in all TTN bands are strongly associated with a spectrum of autosomal recessive titinopathies when exon expression (proportion spliced in, PSI, 1=complete expression) in skeletal muscle is >0.1 (PMID: 36977548, 39198997, 29598826, 32778822, 29691892, 33449170, 36977548, internal data). In contrast, loss of function variants in all TTN bands are only strongly associated with autosomal dominant TTN-related cardiomyopathies if located in exons constitutively expressed (PSI >0.9) in cardiac muscle, excluding extreme C-terminal exons 359-363 (PMID: 25589632, 31216868, 32964742, 34662387, 27869827, Shetty et al., Nat Cardiovasc Res 2024,, internal data). This variant has a maximum skeletal muscle PSI of 0.943 and a maximum cardiac muscle PSI of 1.000. The variant was absent in 248242 control chromosomes. To our knowledge, no occurrence of c.85093C>T in individuals affected with Dilated Cardiomyopathy and no experimental evidence demonstrating its impact on protein function have been reported. ClinVar contains an entry for this variant (Variation ID: 534962). Based on the evidence outlined above, the variant was classified as likely pathogenic for both autosomal dominant and autosomal recessive TTN-related conditions.

GeneDx
Classification: Likely pathogenic. Last evaluated: 2024-11-18. Review status: criteria provided, single submitter. Criteria: GeneDx Variant Classification Process June 2021. Collection method: clinical testing. Allele origin: germline. Affected: yes.
Comment: Nonsense variant predicted to result in protein truncation or nonsense mediated decay in a gene for which loss of function is a known mechanism of disease; Not observed at significant frequency in large population cohorts (gnomAD); Has not been previously published as pathogenic or benign to our knowledge; This variant is associated with the following publications: (PMID: 22335739)

Ambry Genetics
Classification: Likely pathogenic for Cardiovascular phenotype. Last evaluated: 2024-08-23. Review status: criteria provided, single submitter. Criteria: Ambry Variant Classification Scheme 2023. Collection method: clinical testing. Allele origin: germline.
Comment: The p.Q21868* variant (also known as c.65602C>T), located in coding exon 166 of the TTN gene, results from a C to T substitution at nucleotide position 65602. This changes the amino acid from a glutamine to a stop codon within coding exon 166. This exon is located in the A-band region of the N2-B isoform of the titin protein and is constitutively expressed in TTN transcripts (percent spliced in or PSI 100%). This variant is considered to be rare based on population cohorts in the Genome Aggregation Database (gnomAD). This alteration is expected to result in loss of function by premature protein truncation or nonsense-mediated mRNA decay. While truncating variants in TTN are present in 1-3% of the general population, truncating variants in the A-band are the most common cause of dilated cardiomyopathy (DCM) (Herman DS et al. N. Engl. J. Med., 2012 Feb;366:619-28; Roberts AM et al. Sci Transl Med, 2015 Jan;7:270ra6). TTN truncating variants encoded in constitutive exons (PSI >90%) have been found to be significantly associated with DCM regardless of their position in titin (Schafer S et al. Nat. Genet., 2017 01;49:46-53). Based on the majority of available evidence to date, this variant is likely to be pathogenic.

Labcorp Genetics (formerly Invitae), Labcorp
Classification: Likely pathogenic for Dilated cardiomyopathy 1G; Autosomal recessive limb-girdle muscular dystrophy type 2J. Last evaluated: 2024-06-25. Review status: criteria provided, single submitter. Criteria: Invitae Variant Classification Sherloc (09022015). Collection method: clinical testing. Allele origin: germline.
Comment: This sequence change creates a premature translational stop signal (p.Gln30933*) in the TTN gene. While this is not anticipated to result in nonsense mediated decay, it is expected to create a truncated TTN protein. This variant is not present in population databases (gnomAD no frequency). This variant has not been reported in the literature in individuals affected with TTN-related conditions. ClinVar contains an entry for this variant (Variation ID: 534962). This variant is located in the A band of TTN (PMID: 25589632). Truncating variants in this region are significantly overrepresented in patients affected with dilated cardiomyopathy (PMID: 25589632). Truncating variants in this region have also been reported in individuals affected with autosomal recessive centronuclear myopathy (PMID: 23975875). In summary, the currently available evidence indicates that the variant is pathogenic, but additional data are needed to prove that conclusively. Therefore, this variant has been classified as Likely Pathogenic.

Literature cited by the submitters: PubMed 25589632 (cited by Labcorp Genetics (formerly Invitae), Labcorp); PubMed 23975875 (cited by Labcorp Genetics (formerly Invitae), Labcorp).

NM_001267550.2(TTN):c.92797C>T (p.Gln30933Ter)

Genes: TTN-AS1 (TTN antisense RNA 1; plus strand), TTN (titin; minus strand). Cytogenetic location: 2q31.2.
Variant type: single nucleotide variant.
Coding change: c.92797C>T on transcript NM_001267550.2 (MANE Select); coding-DNA position 92797, C replaced by T.
Protein change: p.Gln30933Ter; replaces glutamine 30933 with a stop codon.
Molecular consequence: nonsense.
Genome position (GRCh38, 1-based): chr2:178,548,829, G>A on the plus strand (C>T on the coding strand, the complement: TTN is on the minus strand). VCF-style: chr2-178548829-G-A. GRCh37 (hg19) VCF-style: chr2-179413556-G-A.
Other names: c.92797C>T (NM_001267550.1); c.87874C>T, p.Gln29292Ter (NM_001256850.1); c.65602C>T, p.Gln21868Ter (NM_003319.4); c.85093C>T, p.Gln28365Ter (NM_133378.4); c.65977C>T, p.Gln21993Ter (NM_133432.3); c.66178C>T, p.Gln22060Ter (NM_133437.4); short protein forms Q30933*, Q28365*, Q21868*, Q29292*, Q22060*, Q21993*.
Identifiers: ClinVar variation 534962 (VCV000534962.13), dbSNP rs1553532356, ClinGen allele CA349490836.
Genomic context (GRCh38, chr2:178,548,829, plus strand): 5'-GTCTACCTTGGTAGGCAATGAAGAGGCGAATACTGGCCCCAGCTCTAACAACATGAGTCT[G>A]TTTGAAGTTTGCATCTATGTCTAACTCAGGAGCTGTTAACCGGTCAACTGCTTTAATTGT-3'